The following is an entry in ClinVar:

ClinVar aggregate classification (germline): Likely benign. Review status: criteria provided, multiple submitters, no conflicts (2 of 4 stars). 3 submissions from 3 submitters: Likely benign (2). 1 of the submissions does not count toward it. Last evaluated 2025-07-13.

Conditions:
PCNT-related disorder. Also called: PCNT-related condition.

Allele frequency attached by ClinVar (database versions not stated): gnomAD exomes 0.00003 and 0.00008; ExAC 0.00007; ESP Exome Variant Server 0.00008; gnomAD 0.00012 and 0.00014; TOPMed 0.00013; 1000 Genomes Project 0.00020; 1000 Genomes Project 30x 0.00031.
gnomAD v4.1: 57 of 1,612,124 alleles (0.0035%); highest among the groups gnomAD compares: African/African-American, 0.039%; no homozygotes.

Submissions (3):

Labcorp Genetics (formerly Invitae), Labcorp
Classification: Likely benign. Last evaluated: 2025-07-13. Review status: criteria provided, single submitter. Criteria: Invitae Variant Classification Sherloc (09022015). Collection method: clinical testing. Allele origin: germline.

Genetic Services Laboratory, University of Chicago
Classification: Likely benign. Last evaluated: 2016-08-01. Review status: criteria provided, single submitter. Criteria: ACMG Guidelines, 2015. Collection method: clinical testing. Allele origin: germline. Affected: no.

PreventionGenetics, part of Exact Sciences
Classification: Likely benign for PCNT-related condition. Last evaluated: 2021-11-03. Review status: no assertion criteria provided. Collection method: clinical testing. Allele origin: germline. Not counted in ClinVar's aggregate classification.
Comment: This variant is classified as likely benign based on ACMG/AMP sequence variant interpretation guidelines (Richards et al. 2015 PMID: 25741868, with internal and published modifications).

NM_006031.6(PCNT):c.6096G>A (p.Ser2032=)

Gene: PCNT (pericentrin; plus strand). Cytogenetic location: 21q22.3.
Variant type: single nucleotide variant.
Coding change: c.6096G>A on transcript NM_006031.6 (MANE Select); coding-DNA position 6096, G replaced by A.
Protein change: p.Ser2032=; no amino-acid change (serine 2032 retained).
Molecular consequence: synonymous variant.
Genome position (GRCh38, 1-based): chr21:46,412,938, G>A. VCF-style: chr21-46412938-G-A. GRCh37 (hg19) VCF-style: chr21-47832852-G-A.
Other names: c.5742G>A, p.Ser1914= (NM_001315529.2).
Identifiers: ClinVar variation 436207 (VCV000436207.12), dbSNP rs370040791, ClinGen allele CA10080200.